The following is an entry in ClinVar:

NM_014285.7(EXOSC2):c.122+2T>G

Genes: EXOSC2 (exosome component 2; plus strand), LOC130002815 (ATAC-STARR-seq lymphoblastoid active region 29156; plus strand). Cytogenetic location: 9q34.12.
Variant type: single nucleotide variant.
Coding change: c.122+2T>G on transcript NM_014285.7 (MANE Select); the canonical splice donor site of the intron after coding-DNA position 122, T replaced by G.
Molecular consequence: splice donor variant.
Genome position (GRCh38, 1-based): chr9:130,693,915, T>G. VCF-style: chr9-130693915-T-G. GRCh37 (hg19) VCF-style: chr9-133569302-T-G.
Other names: c.122+2T>G (NM_001282708.1, NM_001282709.1).
Identifiers: ClinVar variation 1921236 (VCV001921236.5), dbSNP rs1430887213, ClinGen allele CA375246105.
Genomic context (GRCh38, chr9:130,693,915, plus strand): 5'-ACTAAGAAACATCTAGTGGTGCCGGGGGATACAATCACTACGGACACAGGATTCATGCGG[T>G]ACGTGGGGACTTGGGGGAGTCGAGGCTTCAGAGAGCGGCTTCAGGGCTCTCTGCACGTGG-3'

ClinVar aggregate classification (germline): Uncertain significance (1 of 4 stars; one submission).

Allele frequency attached by ClinVar (database versions not stated): TOPMed below 0.00001; gnomAD 0.00001.
gnomAD v4.1: 1 of 1,599,588 alleles (0.000063%); highest among the groups gnomAD compares: Middle Eastern, 0.017%; no homozygotes.

Submission:

Labcorp Genetics (formerly Invitae), Labcorp
Classification: Uncertain significance. Last evaluated: 2022-08-02. Review status: criteria provided, single submitter. Criteria: Invitae Variant Classification Sherloc (09022015). Collection method: clinical testing. Allele origin: germline.
Comment: This sequence change affects a donor splice site in intron 1 of the EXOSC2 gene. It is expected to disrupt RNA splicing. Variants that disrupt the donor or acceptor splice site typically lead to a loss of protein function (PMID: 16199547), however the current clinical and genetic evidence is not sufficient to establish whether loss-of-function variants in EXOSC2 cause disease. This variant is not present in population databases (gnomAD no frequency). This variant has not been reported in the literature in individuals affected with EXOSC2-related conditions. Algorithms developed to predict the effect of sequence changes on RNA splicing suggest that this variant may disrupt the consensus splice site. In summary, the available evidence is currently insufficient to determine the role of this variant in disease. Therefore, it has been classified as a Variant of Uncertain Significance.

Literature cited by the submitters: PubMed 16199547.